The following is an entry in ClinVar:

ClinVar aggregate classification (germline): Uncertain significance. Review status: criteria provided, multiple submitters, no conflicts (2 of 4 stars). 3 submissions from 3 submitters: Uncertain significance (2). 1 of the submissions does not count toward it. Last evaluated 2025-10-14.

Conditions:
TET2-related disorder. Also called: TET2-related condition.

Allele frequency attached by ClinVar (database versions not stated): gnomAD 0.00001; TOPMed 0.00002.
gnomAD v4.1: 5 of 1,614,018 alleles (0.00031%); highest among the groups gnomAD compares: Non-Finnish European, 0.00042%; no homozygotes.

Submissions (3):

Labcorp Genetics (formerly Invitae), Labcorp
Classification: Uncertain significance. Last evaluated: 2025-10-14. Review status: criteria provided, single submitter. Criteria: Invitae Variant Classification Sherloc (09022015). Collection method: clinical testing. Allele origin: germline.
Comment: This sequence change replaces arginine, which is basic and polar, with threonine, which is neutral and polar, at codon 1134 of the TET2 protein (p.Arg1134Thr). This variant is not present in population databases (gnomAD no frequency). This variant has not been reported in the literature in individuals affected with TET2-related conditions. ClinVar contains an entry for this variant (Variation ID: 2662492). An algorithm developed to predict the effect of missense changes on protein structure and function (PolyPhen-2) suggests that this variant is likely to be tolerated. In summary, the available evidence is currently insufficient to determine the role of this variant in disease. Therefore, it has been classified as a Variant of Uncertain Significance.

GeneDx
Classification: Uncertain significance. Last evaluated: 2023-03-27. Review status: criteria provided, single submitter. Criteria: GeneDx Variant Classification Process June 2021. Collection method: clinical testing. Allele origin: germline. Affected: yes.
Comment: Not observed at significant frequency in large population cohorts (gnomAD); In silico analysis supports that this missense variant does not alter protein structure/function; Has not been previously published as pathogenic or benign to our knowledge

PreventionGenetics, part of Exact Sciences
Classification: Uncertain significance for TET2-related condition. Last evaluated: 2023-10-27. Review status: no assertion criteria provided. Collection method: clinical testing. Allele origin: germline. Not counted in ClinVar's aggregate classification.
Comment: The TET2 c.3401G>C variant is predicted to result in the amino acid substitution p.Arg1134Thr. To our knowledge, this variant has not been reported in the literature or in a large population database, indicating this variant is rare. At this time, the clinical significance of this variant is uncertain due to the absence of conclusive functional and genetic evidence.

NM_001127208.3(TET2):c.3401G>C (p.Arg1134Thr)

Genes: TET2 (tet methylcytosine dioxygenase 2; plus strand), TET2-AS1 (TET2 antisense RNA 1; minus strand). Cytogenetic location: 4q24.
Variant type: single nucleotide variant.
Coding change: c.3401G>C on transcript NM_001127208.3 (MANE Select); coding-DNA position 3401, G replaced by C.
Protein change: p.Arg1134Thr; replaces arginine 1134 with threonine.
Molecular consequence: missense variant.
Genome position (GRCh38, 1-based): chr4:105,237,343, G>C. VCF-style: chr4-105237343-G-C. GRCh37 (hg19) VCF-style: chr4-106158500-G-C.
Other names: c.3401G>C, p.Arg1134Thr (NM_017628.4); short protein forms R1134T.
Identifiers: ClinVar variation 2662492 (VCV002662492.4), dbSNP rs1320325510, ClinGen allele CA357803117.